The following is an entry in ClinVar:

ClinVar aggregate classification (germline): Likely benign. Review status: criteria provided, multiple submitters, no conflicts (2 of 4 stars). 3 submissions from 3 submitters: Likely benign (3). Last evaluated 2024-10-17.

Conditions:
USH2A-related disorder. Also called: USH2A-related disorders; USH2A-related condition. Identifiers: MedGen CN239332.

Allele frequency attached by ClinVar (database versions not stated): gnomAD 0.00003; TOPMed 0.00003.
gnomAD v4.1: 35 of 1,613,806 alleles (0.0022%); highest among the groups gnomAD compares: Admixed American, 0.02%; no homozygotes.

Submissions (3):

PreventionGenetics, part of Exact Sciences
Classification: Likely benign for USH2A-related condition. Last evaluated: 2024-10-17. Review status: criteria provided, single submitter. Criteria: ACMG Guidelines, 2015. Collection method: clinical testing. Allele origin: germline.
Comment: This variant is classified as likely benign based on ACMG/AMP sequence variant interpretation guidelines (Richards et al. 2015 PMID: 25741868, with internal and published modifications).

Labcorp Genetics (formerly Invitae), Labcorp
Classification: Likely benign. Last evaluated: 2024-10-03. Review status: criteria provided, single submitter. Criteria: Invitae Variant Classification Sherloc (09022015). Collection method: clinical testing. Allele origin: germline.

Blueprint Genetics
Classification: Likely benign. Last evaluated: 2023-10-24. Review status: criteria provided, single submitter. Criteria: ACMG Guidelines, 2015. Collection method: clinical testing. Allele origin: germline.

NM_206933.4(USH2A):c.357C>T (p.Asn119=)

Gene: USH2A (usherin; minus strand). Cytogenetic location: 1q41.
Variant type: single nucleotide variant.
Coding change: c.357C>T on transcript NM_206933.4 (MANE Select); coding-DNA position 357, C replaced by T.
Protein change: p.Asn119=; no amino-acid change (asparagine 119 retained).
Molecular consequence: synonymous variant.
Genome position (GRCh38, 1-based): chr1:216,421,980, G>A on the plus strand (C>T on the coding strand, the complement: USH2A is on the minus strand). VCF-style: chr1-216421980-G-A. GRCh37 (hg19) VCF-style: chr1-216595322-G-A.
Other names: c.357C>T (NM_206933.2); c.357C>T, p.Asn119= (NM_007123.6).
Identifiers: ClinVar variation 1084235 (VCV001084235.11), dbSNP rs562750831, ClinGen allele CA1396810.